The following is an entry in ClinVar:

NM_032043.3(BRIP1):c.3216C>T (p.Thr1072=)

Gene: BRIP1 (BRCA1 interacting DNA helicase 1; minus strand). Cytogenetic location: 17q23.2.
Variant type: single nucleotide variant.
Coding change: c.3216C>T on transcript NM_032043.3 (MANE Select); coding-DNA position 3216, C replaced by T.
Protein change: p.Thr1072=; no amino-acid change (threonine 1072 retained).
Molecular consequence: synonymous variant.
Genome position (GRCh38, 1-based): chr17:61,683,830, G>A on the plus strand (C>T on the coding strand, the complement: BRIP1 is on the minus strand). VCF-style: chr17-61683830-G-A. GRCh37 (hg19) VCF-style: chr17-59761191-G-A.
Identifiers: ClinVar variation 1728987 (VCV001728987.6), dbSNP rs1439742900, ClinGen allele CA501335288.

ClinVar aggregate classification (germline): Benign/Likely benign. Review status: criteria provided, multiple submitters, no conflicts (2 of 4 stars). 3 submissions from 3 submitters: Benign (1); Likely benign (2). Last evaluated 2024-09-10.

Conditions:
Familial cancer of breast. Also called: BREAST CANCER, FAMILIAL; Hereditary breast cancer; hereditary breast carcinoma. Identifiers: Orphanet 227535, MedGen C0346153, MONDO:0016419, OMIM 114480. Disease mechanism: loss of function.
Fanconi anemia complementation group J. Also called: BRIP1-Related Fanconi Anemia. Identifiers: Orphanet 84, MedGen C1836860, MONDO:0012187, OMIM 609054.
Hereditary cancer-predisposing syndrome. Also called: Neoplastic Syndromes, Hereditary; Tumor predisposition; Hereditary Cancer Syndrome; Hereditary neoplastic syndrome. Identifiers: Orphanet 140162, MedGen C0027672, MeSH D009386, MONDO:0015356.

Allele frequency attached by ClinVar (database versions not stated): gnomAD exomes 0.00001.
gnomAD v4.1: 4 of 1,614,046 alleles (0.00025%); highest among the groups gnomAD compares: Non-Finnish European, 0.000085%; no homozygotes.

Submissions (3):

Labcorp Genetics (formerly Invitae), Labcorp
Classification: Likely benign for Familial cancer of breast; Fanconi anemia complementation group J. Last evaluated: 2024-09-10. Review status: criteria provided, single submitter. Criteria: Invitae Variant Classification Sherloc (09022015). Collection method: clinical testing. Allele origin: germline.

Myriad Genetics, Inc.
Classification: Benign for Familial cancer of breast. Last evaluated: 2024-09-10. Review status: criteria provided, single submitter. Criteria: Myriad Autosomal Dominant, Autosomal Recessive and X-Linked Classification Criteria (2023). Collection method: clinical testing. Allele origin: unknown.
Comment: This variant is considered benign. This variant is a silent/synonymous amino acid change and it is not expected to impact splicing.

Ambry Genetics
Classification: Likely benign for Hereditary cancer-predisposing syndrome. Last evaluated: 2021-03-05. Review status: criteria provided, single submitter. Criteria: Ambry Variant Classification Scheme 2023. Collection method: clinical testing. Allele origin: germline.